The following is an entry in ClinVar:

ClinVar aggregate classification (germline): Uncertain significance (1 of 4 stars; one submission).

Submission:

Geisinger Autism and Developmental Medicine Institute, Geisinger Health System
Classification: Uncertain significance. Last evaluated: 2018-04-03. Review status: criteria provided, single submitter. Criteria: ACMG CNV Guidelines, 2011. Collection method: provider interpretation. Allele origin: unknown.
Comment: Brain MRI showed mega cisterna magna but was otherwise unremarkable. Parental testing was not completed.

Single allele

Gene: CNTN6 (contactin 6; plus strand). Cytogenetic location: 3p26.3.
Variant type: Duplication.
Identifiers: ClinVar variation 560034 (VCV000560034.3).